The following is an entry in ClinVar:

NM_000256.3(MYBPC3):c.2484G>A (p.Glu828=)

Gene: MYBPC3 (myosin binding protein C3; minus strand). Cytogenetic location: 11p11.2.
Variant type: single nucleotide variant.
Coding change: c.2484G>A on transcript NM_000256.3 (MANE Select); coding-DNA position 2484, G replaced by A.
Protein change: p.Glu828=; no amino-acid change (glutamic acid 828 retained).
Molecular consequence: synonymous variant.
Genome position (GRCh38, 1-based): chr11:47,337,509, C>T on the plus strand (G>A on the coding strand, the complement: MYBPC3 is on the minus strand). VCF-style: chr11-47337509-C-T. GRCh37 (hg19) VCF-style: chr11-47359060-C-T.
Identifiers: ClinVar variation 697771 (VCV000697771.16), dbSNP rs765583270, ClinGen allele CA078747.

ClinVar aggregate classification (germline): Likely benign. Review status: criteria provided, multiple submitters, no conflicts (2 of 4 stars). 5 submissions from 5 submitters: Likely benign (5). Last evaluated 2025-11-03.

Conditions:
Cardiovascular phenotype. Identifiers: MedGen CN230736.
Cardiomyopathy (CMYO). Also called: Cardiomyopathies. Identifiers: Orphanet 167848, MedGen C0878544, MONDO:0004994, HP:0001638. Inheritance: Various modes of inheritance.
Hypertrophic cardiomyopathy. Also called: HYPERTROPHIC MYOCARDIOPATHY. Identifiers: Orphanet 217569, MedGen C0007194, MeSH D002312, MONDO:0005045, HP:0001639.

Allele frequency attached by ClinVar (database versions not stated): gnomAD 0.00001; TOPMed 0.00001; ExAC 0.00002; gnomAD exomes 0.00002 and 0.00006.
gnomAD v4.1: 92 of 1,613,928 alleles (0.0057%); highest among the groups gnomAD compares: Non-Finnish European, 0.0077%; no homozygotes.

Submissions (5):

Labcorp Genetics (formerly Invitae), Labcorp
Classification: Likely benign for Hypertrophic cardiomyopathy. Last evaluated: 2025-11-03. Review status: criteria provided, single submitter. Criteria: Invitae Variant Classification Sherloc (09022015). Collection method: clinical testing. Allele origin: germline.

Blueprint Genetics
Classification: Likely benign. Last evaluated: 2024-09-18. Review status: criteria provided, single submitter. Criteria: ACMG Guidelines, 2015. Collection method: clinical testing. Allele origin: germline.

All of Us Research Program, National Institutes of Health
Classification: Likely benign for Hypertrophic cardiomyopathy. Last evaluated: 2023-11-13. Review status: criteria provided, single submitter. Criteria: ACMG Guidelines, 2015. Collection method: clinical testing. Allele origin: germline. Inheritance: Autosomal dominant inheritance. Observed: 9 variant alleles, 9 heterozygotes.
Comment: This study involves interpretation of variants in research participants for the purpose of population health screening. Participant phenotype was not available at the time of variant classification. Additional details can be found in publication PMID: 35346344, PMCID: PMC8962531

Ambry Genetics
Classification: Likely benign for Cardiovascular phenotype. Last evaluated: 2019-09-24. Review status: criteria provided, single submitter. Criteria: Ambry Variant Classification Scheme 2023. Collection method: clinical testing. Allele origin: germline.

Color Diagnostics, LLC DBA Color Health
Classification: Likely benign for Cardiomyopathy. Last evaluated: 2018-12-03. Review status: criteria provided, single submitter. Criteria: ACMG Guidelines, 2015. Collection method: clinical testing. Allele origin: germline.